The following is an entry in ClinVar:

NM_015559.3(SETBP1):c.1512G>T (p.Met504Ile)

Gene: SETBP1 (SET binding protein 1; plus strand). Cytogenetic location: 18q12.3.
Variant type: single nucleotide variant.
Coding change: c.1512G>T on transcript NM_015559.3 (MANE Select); coding-DNA position 1512, G replaced by T.
Protein change: p.Met504Ile; replaces methionine 504 with isoleucine.
Molecular consequence: missense variant.
Genome position (GRCh38, 1-based): chr18:44,950,852, G>T. VCF-style: chr18-44950852-G-T. GRCh37 (hg19) VCF-style: chr18-42530817-G-T.
Other names: c.1512G>T (NM_015559.2); c.1512G>T, p.Met504Ile (NM_001379141.1, NM_001379142.1); short protein forms M504I.
Identifiers: ClinVar variation 1690828 (VCV001690828.7), dbSNP rs1387689736, ClinGen allele CA402318681.

ClinVar aggregate classification (germline): Uncertain significance. Review status: criteria provided, multiple submitters, no conflicts (2 of 4 stars). 5 submissions from 5 submitters: Uncertain significance (5). Last evaluated 2026-06-15.

Conditions:
SETBP1-related disorder. Also called: SETBP1-related condition; SETBP1-related disorders.
Inborn genetic diseases. Identifiers: MedGen C0950123, MeSH D030342.

Allele frequency attached by ClinVar (database versions not stated): gnomAD 0.00001; TOPMed 0.00001.
gnomAD v4.1: 4 of 1,614,034 alleles (0.00025%); highest among the groups gnomAD compares: Non-Finnish European, 0.00025%; no homozygotes.

Submissions (5):

PreventionGenetics, part of Exact Sciences
Classification: Uncertain significance for SETBP1-related condition. Last evaluated: 2026-06-15. Review status: criteria provided, single submitter. Criteria: ACMG Guidelines, 2015. Collection method: clinical testing. Allele origin: germline.
Comment: The SETBP1 c.1512G>T variant is predicted to result in the amino acid substitution p.Met504Ile. To our knowledge, this variant has not been reported in the literature. This variant is reported in 0.0065% of alleles in individuals of European (Non-Finnish) descent in gnomAD. At this time, the clinical significance of this variant is uncertain due to the absence of conclusive functional and genetic evidence.

Labcorp Genetics (formerly Invitae), Labcorp
Classification: Uncertain significance. Last evaluated: 2025-03-09. Review status: criteria provided, single submitter. Criteria: Invitae Variant Classification Sherloc (09022015). Collection method: clinical testing. Allele origin: germline.
Comment: This sequence change replaces methionine, which is neutral and non-polar, with isoleucine, which is neutral and non-polar, at codon 504 of the SETBP1 protein (p.Met504Ile). This variant is present in population databases (no rsID available, gnomAD 0.007%). This variant has not been reported in the literature in individuals affected with SETBP1-related conditions. ClinVar contains an entry for this variant (Variation ID: 1690828). Invitae Evidence Modeling of protein sequence and biophysical properties (such as structural, functional, and spatial information, amino acid conservation, physicochemical variation, residue mobility, and thermodynamic stability) indicates that this missense variant is not expected to disrupt SETBP1 protein function with a negative predictive value of 80%. In summary, the available evidence is currently insufficient to determine the role of this variant in disease. Therefore, it has been classified as a Variant of Uncertain Significance.

Ambry Genetics
Classification: Uncertain significance for Inborn genetic diseases. Last evaluated: 2024-11-20. Review status: criteria provided, single submitter. Criteria: Ambry Variant Classification Scheme 2023. Collection method: clinical testing. Allele origin: germline.

Laboratorio de Genetica e Diagnostico Molecular, Hospital Israelita Albert Einstein
Classification: Uncertain significance. Last evaluated: 2020-03-13. Review status: criteria provided, single submitter. Criteria: ACMG Guidelines, 2015. Collection method: clinical testing. Allele origin: germline. Affected: yes.
Comment: ACMG classification criteria: PM2, BP4

Breakthrough Genomics
Classification: Uncertain significance. Review status: criteria provided, single submitter. Criteria: ACMG Guidelines, 2015. Collection method: not provided. Allele origin: germline. Inheritance: Autosomal dominant inheritance. Affected: yes.